The following is an entry in ClinVar:

ClinVar aggregate classification (germline): Uncertain significance. Review status: criteria provided, multiple submitters, no conflicts (2 of 4 stars). 2 submissions from 2 submitters: Uncertain significance (2). Last evaluated 2022-11-09.

Allele frequency attached by ClinVar (database versions not stated): gnomAD exomes 0.00001; ExAC 0.00005.
gnomAD v4.1: 12 of 1,614,212 alleles (0.00074%); highest among the groups gnomAD compares: Non-Finnish European, 0.001%; no homozygotes.

Submissions (2):

Clinical Genetics Laboratory, Skane University Hospital Lund
Classification: Uncertain significance. Last evaluated: 2022-11-09. Review status: criteria provided, single submitter. Criteria: ACMG Guidelines, 2015. Collection method: clinical testing. Allele origin: germline. Affected: yes.

Labcorp Genetics (formerly Invitae), Labcorp
Classification: Uncertain significance. Last evaluated: 2022-08-21. Review status: criteria provided, single submitter. Criteria: Invitae Variant Classification Sherloc (09022015). Collection method: clinical testing. Allele origin: germline.
Comment: This sequence change falls in intron 3 of the NEFH gene. It does not directly change the encoded amino acid sequence of the NEFH protein. It affects a nucleotide within the consensus splice site. This variant is present in population databases (rs774469755, gnomAD 0.005%). This variant has not been reported in the literature in individuals affected with NEFH-related conditions. Variants that disrupt the consensus splice site are a relatively common cause of aberrant splicing (PMID: 17576681, 9536098). Algorithms developed to predict the effect of sequence changes on RNA splicing suggest that this variant is not likely to affect RNA splicing. In summary, the available evidence is currently insufficient to determine the role of this variant in disease. Therefore, it has been classified as a Variant of Uncertain Significance.

Literature cited by the submitters: PubMed 17576681 (cited by Labcorp Genetics (formerly Invitae), Labcorp); PubMed 9536098 (cited by Labcorp Genetics (formerly Invitae), Labcorp).

NM_021076.4(NEFH):c.1208+4A>T

Gene: NEFH (neurofilament heavy chain; plus strand). Cytogenetic location: 22q12.2.
Variant type: single nucleotide variant.
Coding change: c.1208+4A>T on transcript NM_021076.4 (MANE Select); 4 bases into the intron after coding-DNA position 1208, A replaced by T.
Molecular consequence: intron variant.
Genome position (GRCh38, 1-based): chr22:29,485,851, A>T. VCF-style: chr22-29485851-A-T. GRCh37 (hg19) VCF-style: chr22-29881840-A-T.
Identifiers: ClinVar variation 2084842 (VCV002084842.5), dbSNP rs774469755, ClinGen allele CA10174145.
Genomic context (GRCh38, chr22:29,485,851, plus strand): 5'-ATACCAGGACCTGCTCAATGTCAAGATGGCTCTGGATATAGAGATAGCCGCTTACAGGTG[A>T]GACGCACAGGGGCTGTCACATGGTGAAGAAAGCTTGTGTTCCTGCGAGACGCTAAGCCTT-3'